The following is an entry in ClinVar:

ClinVar aggregate classification (germline): Uncertain significance (1 of 4 stars; one submission).

Conditions:
Hereditary cancer-predisposing syndrome. Also called: Hereditary Cancer Syndrome; Hereditary neoplastic syndrome; Tumor predisposition; Neoplastic Syndromes, Hereditary. Identifiers: Orphanet 140162, MedGen C0027672, MeSH D009386, MONDO:0015356.

Submission:

Ambry Genetics
Classification: Uncertain significance for Hereditary cancer-predisposing syndrome. Last evaluated: 2022-09-10. Review status: criteria provided, single submitter. Criteria: Ambry Variant Classification Scheme 2023. Collection method: clinical testing. Allele origin: germline.
Comment: The p.L8P variant (also known as c.23T>C), located in coding exon 1 of the RAD51D gene, results from a T to C substitution at nucleotide position 23. The leucine at codon 8 is replaced by proline, an amino acid with similar properties. This amino acid position is well conserved in available vertebrate species. In addition, the in silico prediction for this alteration is inconclusive. Since supporting evidence is limited at this time, the clinical significance of this alteration remains unclear.

NM_002878.4(RAD51D):c.23T>C (p.Leu8Pro)

Genes: RAD51D (RAD51 paralog D; minus strand), RAD51L3-RFFL (RAD51L3-RFFL readthrough; minus strand). Cytogenetic location: 17q12.
Variant type: single nucleotide variant.
Coding change: c.23T>C on transcript NM_002878.4 (MANE Select); coding-DNA position 23, T replaced by C.
Protein change: p.Leu8Pro; replaces leucine 8 with proline.
Molecular consequence: missense variant. On other transcripts: non-coding transcript variant (2).
Genome position (GRCh38, 1-based): chr17:35,119,591, A>G on the plus strand (T>C on the coding strand, the complement: RAD51D is on the minus strand). VCF-style: chr17-35119591-A-G. GRCh37 (hg19) VCF-style: chr17-33446610-A-G.
Other names: c.23T>C, p.Leu8Pro (NM_001142571.2, NM_133629.3); short protein forms L8P.
Identifiers: ClinVar variation 1790720 (VCV001790720.2), dbSNP rs2142480837, ClinGen allele CA399092532.